The following is an entry in ClinVar:

NM_000057.4(BLM):c.2725_2751del (p.Gln909_Ala917del)

Gene: BLM (BLM RecQ like helicase; plus strand). Cytogenetic location: 15q26.1.
Variant type: Deletion.
Coding change: c.2725_2751del on transcript NM_000057.4 (MANE Select); coding-DNA positions 2725 to 2751, 27 bases deleted (CAGAGAGATGGGCTCGCTGCTCTTGCT).
Protein change: p.Gln909_Ala917del.
Molecular consequence: inframe deletion.
Genome position (GRCh38, 1-based): chr15:90,784,983-90,785,009, CAGAGAGATGGGCTCGCTGCTCTTGCT deleted. VCF-style (leftmost placement, unchanged base first): chr15-90784982-ACAGAGAGATGGGCTCGCTGCTCTTGCT-A. GRCh37 (hg19) VCF-style: chr15-91328212-ACAGAGAGATGGGCTCGCTGCTCTTGCT-A.
Other names: c.2725_2751del, p.Gln909_Ala917del (NM_001287246.2, NM_001287247.2); c.1600_1626del, p.Gln534_Ala542del (NM_001287248.2).
Identifiers: ClinVar variation 2036554 (VCV002036554.4), dbSNP rs2505501617, ClinGen allele CA2580090244.

ClinVar aggregate classification (germline): Uncertain significance (1 of 4 stars; one submission).

Conditions:
Bloom syndrome (BLM). Also called: Bloom-Torre-Machacek syndrome. Identifiers: Orphanet 125, MedGen C0005859, MONDO:0008876, OMIM 210900.

Submission:

Labcorp Genetics (formerly Invitae), Labcorp
Classification: Uncertain significance for Bloom syndrome. Last evaluated: 2022-10-23. Review status: criteria provided, single submitter. Criteria: Invitae Variant Classification Sherloc (09022015). Collection method: clinical testing. Allele origin: germline.
Comment: In summary, the available evidence is currently insufficient to determine the role of this variant in disease. Therefore, it has been classified as a Variant of Uncertain Significance. This variant has not been reported in the literature in individuals affected with BLM-related conditions. This variant is not present in population databases (gnomAD no frequency). This variant, c.2725_2751del, results in the deletion of 9 amino acid(s) of the BLM protein (p.Gln909_Ala917del), but otherwise preserves the integrity of the reading frame.